The following is an entry in ClinVar:

ClinVar aggregate classification (germline): Uncertain significance (1 of 4 stars; one submission).

Submission:

Labcorp Genetics (formerly Invitae), Labcorp
Classification: Uncertain significance. Last evaluated: 2022-05-03. Review status: criteria provided, single submitter. Criteria: Invitae Variant Classification Sherloc (09022015). Collection method: clinical testing. Allele origin: germline.
Comment: This sequence change replaces glutamine, which is neutral and polar, with histidine, which is basic and polar, at codon 47 of the PEX11B protein (p.Gln47His). This variant is not present in population databases (gnomAD no frequency). This variant has not been reported in the literature in individuals affected with PEX11B-related conditions. Algorithms developed to predict the effect of missense changes on protein structure and function are either unavailable or do not agree on the potential impact of this missense change (SIFT: "Deleterious"; PolyPhen-2: "Probably Damaging"; Align-GVGD: "Class C0"). In summary, the available evidence is currently insufficient to determine the role of this variant in disease. Therefore, it has been classified as a Variant of Uncertain Significance.

NM_003846.3(PEX11B):c.141A>T (p.Gln47His)

Gene: PEX11B (peroxisomal biogenesis factor 11 beta; minus strand). Cytogenetic location: 1q21.1.
Variant type: single nucleotide variant.
Coding change: c.141A>T on transcript NM_003846.3 (MANE Select); coding-DNA position 141, A replaced by T.
Protein change: p.Gln47His; replaces glutamine 47 with histidine.
Molecular consequence: missense variant. On other transcripts: non-coding transcript variant (3).
Genome position (GRCh38, 1-based): chr1:145,917,732, T>A on the plus strand (A>T on the coding strand, the complement: PEX11B is on the minus strand). VCF-style: chr1-145917732-T-A. GRCh37 (hg19) VCF-style: chr1-145517357-A-T.
Other names: c.99A>T, p.Gln33His (NM_001184795.1); short protein forms Q33H, Q47H.
Identifiers: ClinVar variation 2133150 (VCV002133150.1), dbSNP rs919668619, ClinGen allele CA29817067.